The following is an entry in ClinVar:

NM_006662.3(SRCAP):c.6127+165G>A

Gene: SRCAP (Snf2 related CREBBP activator protein; plus strand). Cytogenetic location: 16p11.2.
Variant type: single nucleotide variant.
Coding change: c.6127+165G>A on transcript NM_006662.3 (MANE Select); 165 bases into the intron after coding-DNA position 6127, G replaced by A.
Molecular consequence: intron variant.
Genome position (GRCh38, 1-based): chr16:30,729,737, G>A. VCF-style: chr16-30729737-G-A. GRCh37 (hg19) VCF-style: chr16-30741058-G-A.
Identifiers: ClinVar variation 1706844 (VCV001706844.2), dbSNP rs74352781, ClinGen allele CA280517818.

ClinVar aggregate classification (germline): Likely benign (1 of 4 stars; one submission).

Allele frequency attached by ClinVar (database versions not stated): gnomAD 0.01281; TOPMed 0.01438; 1000 Genomes Project 0.01478; 1000 Genomes Project 30x 0.01546.
gnomAD v4.1: 1,935 of 152,256 alleles (1.3%); highest among the groups gnomAD compares: African/African-American, 4.2%; 36 homozygotes.

Submission:

GeneDx
Classification: Likely benign. Last evaluated: 2021-05-22. Review status: criteria provided, single submitter. Criteria: GeneDx Variant Classification Process June 2021. Collection method: clinical testing. Allele origin: germline. Affected: yes.
Comment: See Variant Classification Assertion Criteria.